The following is an entry in ClinVar:

NM_001378452.1(ITPR1):c.1957T>C (p.Cys653Arg)

Gene: ITPR1 (inositol 1,4,5-trisphosphate receptor type 1; plus strand). Cytogenetic location: 3p26.1.
Variant type: single nucleotide variant.
Coding change: c.1957T>C on transcript NM_001378452.1 (MANE Select); coding-DNA position 1957, T replaced by C.
Protein change: p.Cys653Arg; replaces cysteine 653 with arginine.
Molecular consequence: missense variant.
Genome position (GRCh38, 1-based): chr3:4,669,724, T>C. VCF-style: chr3-4669724-T-C. GRCh37 (hg19) VCF-style: chr3-4711408-T-C.
Other names: c.1957T>C, p.Cys653Arg (NM_001099952.4); c.1912T>C, p.Cys638Arg (NM_001168272.2, NM_002222.7); short protein forms C638R, C653R.
Identifiers: ClinVar variation 2499403 (VCV002499403.1), dbSNP rs779548893, ClinGen allele CA2231315.
Genomic context (GRCh38, chr3:4,669,724, plus strand): 5'-TACCTCTCCGACCTCTGTGTCTCCATGAACAAATCAATTCCAGTGACCCAGGAACTGATA[T>C]GTAAAGCTGTGCTGAACCCCACCAACGCTGACATCCTGATTGAGACCAAGTGAGTGGGGA-3'
Protein context (NP_001365381.1, residues 643-663): KSIPVTQELI[Cys653Arg]KAVLNPTNAD

ClinVar aggregate classification (germline): Uncertain significance (1 of 4 stars; one submission).

Allele frequency attached by ClinVar (database versions not stated): gnomAD exomes below 0.00001; ExAC 0.00001.
gnomAD v4.1: 1 of 1,613,438 alleles (0.000062%); highest among the groups gnomAD compares: Non-Finnish European, 0.000085%; no homozygotes.

Submission:

GeneDx
Classification: Uncertain significance. Last evaluated: 2022-10-17. Review status: criteria provided, single submitter. Criteria: GeneDx Variant Classification Process June 2021. Collection method: clinical testing. Allele origin: germline. Affected: yes.
Comment: In silico analysis supports that this missense variant has a deleterious effect on protein structure/function; Has not been previously published as pathogenic or benign to our knowledge